The following is an entry in ClinVar:

ClinVar aggregate classification (germline): Likely benign. Review status: criteria provided, multiple submitters, no conflicts (2 of 4 stars). 2 submissions from 2 submitters: Likely benign (2). Last evaluated 2025-09-02.

Conditions:
Developmental and epileptic encephalopathy, 27 (DEE27). Also called: GRIN2B-Related Neurodevelopmental Disorder; Epileptic encephalopathy, early infantile, 27. Identifiers: Orphanet 3451, MedGen C4015316, MONDO:0014505, OMIM 616139.
Intellectual developmental disorder, autosomal dominant 6, with or without seizures. Also called: GRIN2B-related developmental delay, intellectual disability and autism spectrum disorder; Intellectual disability, autosomal dominant 6. Identifiers: Orphanet 589547, MedGen C3151411, MONDO:0013509, OMIM 613970.

Allele frequency attached by ClinVar (database versions not stated): gnomAD 0.00001; TOPMed 0.00001; gnomAD exomes below 0.00001; ExAC 0.00001.
gnomAD v4.1: 7 of 1,614,076 alleles (0.00043%); highest among the groups gnomAD compares: Admixed American, 0.0083%; no homozygotes.

Submissions (2):

Labcorp Genetics (formerly Invitae), Labcorp
Classification: Likely benign for Developmental and epileptic encephalopathy, 27; Intellectual developmental disorder, autosomal dominant 6, with or without seizures. Last evaluated: 2025-09-02. Review status: criteria provided, single submitter. Criteria: Invitae Variant Classification Sherloc (09022015). Collection method: clinical testing. Allele origin: germline.

CeGaT Center for Human Genetics Tuebingen
Classification: Likely benign. Last evaluated: 2022-10-01. Review status: criteria provided, single submitter. Criteria: CeGaT Center For Human Genetics Tuebingen Variant Classification Criteria Version 2. Collection method: clinical testing. Allele origin: germline. Affected: yes. Observed: 1 variant allele.
Comment: GRIN2B: BP4, BP7

NM_000834.5(GRIN2B):c.3759C>T (p.Asp1253=)

Gene: GRIN2B (glutamate ionotropic receptor NMDA type subunit 2B; minus strand). Cytogenetic location: 12p13.1.
Variant type: single nucleotide variant.
Coding change: c.3759C>T on transcript NM_000834.5 (MANE Select); coding-DNA position 3759, C replaced by T.
Protein change: p.Asp1253=; no amino-acid change (aspartic acid 1253 retained).
Molecular consequence: synonymous variant.
Genome position (GRCh38, 1-based): chr12:13,563,479, G>A on the plus strand (C>T on the coding strand, the complement: GRIN2B is on the minus strand). VCF-style: chr12-13563479-G-A. GRCh37 (hg19) VCF-style: chr12-13716413-G-A.
Other names: c.3759C>T, p.Asp1253= (NM_001413992.1).
Identifiers: ClinVar variation 2040262 (VCV002040262.28), dbSNP rs779637139, ClinGen allele CA6460851.